The following is an entry in ClinVar:

NM_000460.4(THPO):c.957G>C (p.Gln319His)

Gene: THPO (thrombopoietin; minus strand). Cytogenetic location: 3q27.1.
Variant type: single nucleotide variant.
Coding change: c.957G>C on transcript NM_000460.4 (MANE Select); coding-DNA position 957, G replaced by C.
Protein change: p.Gln319His; replaces glutamine 319 with histidine.
Molecular consequence: missense variant.
Genome position (GRCh38, 1-based): chr3:184,372,618, C>G on the plus strand (G>C on the coding strand, the complement: THPO is on the minus strand). VCF-style: chr3-184372618-C-G. GRCh37 (hg19) VCF-style: chr3-184090406-C-G.
Other names: c.945G>C, p.Gln315His (NM_001177597.2, NM_001290022.1); c.940G>C, p.Ala314Pro (NM_001177598.2, NM_001290026.1); c.841G>C, p.Ala281Pro (NM_001289997.1, NM_001290027.1); c.957G>C, p.Gln319His (NM_001289998.1, NM_001290028.1); c.1377G>C, p.Gln459His (NM_001290003.1); c.957G>C (NM_000460.2); short protein forms Q319H, A314P, Q315H, Q459H, A281P.
Identifiers: ClinVar variation 2160517 (VCV002160517.9), dbSNP rs144745352, ClinGen allele CA2734828.

ClinVar aggregate classification (germline): Conflicting classifications of pathogenicity. Review status: criteria provided, conflicting classifications (1 of 4 stars). 5 submissions from 5 submitters: Uncertain significance (4); Likely benign (1). Last evaluated 2026-09-01.

Conditions:
Inborn genetic diseases. Identifiers: MedGen C0950123, MeSH D030342.

Allele frequency attached by ClinVar (database versions not stated): ExAC 0.00010; gnomAD 0.00013; TOPMed 0.00013; ESP Exome Variant Server 0.00015.

Submissions (5):

CeGaT Center for Human Genetics Tuebingen
Classification: Uncertain significance. Last evaluated: 2026-09-01. Review status: criteria provided, single submitter. Criteria: CeGaT Center For Human Genetics Tuebingen Variant Classification Criteria Version 2. Collection method: clinical testing. Allele origin: germline. Affected: yes. Observed: 1 variant allele.
Comment: THPO: PM2, BP4

Labcorp Genetics (formerly Invitae), Labcorp
Classification: Uncertain significance. Last evaluated: 2025-06-02. Review status: criteria provided, single submitter. Criteria: Invitae Variant Classification Sherloc (09022015). Collection method: clinical testing. Allele origin: germline.
Comment: This sequence change replaces glutamine, which is neutral and polar, with histidine, which is basic and polar, at codon 319 of the THPO protein (p.Gln319His). This variant is present in population databases (rs144745352, gnomAD 0.04%). This variant has not been reported in the literature in individuals affected with THPO-related conditions. ClinVar contains an entry for this variant (Variation ID: 2160517). An algorithm developed to predict the effect of missense changes on protein structure and function (PolyPhen-2) suggests that this variant is likely to be tolerated. In summary, the available evidence is currently insufficient to determine the role of this variant in disease. Therefore, it has been classified as a Variant of Uncertain Significance.

Ambry Genetics
Classification: Uncertain significance for Inborn genetic diseases. Last evaluated: 2024-11-07. Review status: criteria provided, single submitter. Criteria: Ambry Variant Classification Scheme 2023. Collection method: clinical testing. Allele origin: germline.

Women's Health and Genetics/Laboratory Corporation of America, LabCorp
Classification: Uncertain significance. Last evaluated: 2023-12-18. Review status: criteria provided, single submitter. Criteria: LabCorp Variant Classification Summary - May 2015. Collection method: clinical testing. Allele origin: germline.
Comment: Variant summary: THPO c.957G>C (p.Gln319His) results in a non-conservative amino acid change in the encoded protein sequence. Four of five in-silico tools predict a benign effect of the variant on protein function. The variant allele was found at a frequency of 0.0001 in 250268 control chromosomes (gnomAD). To our knowledge, no occurrence of c.957G>C in individuals affected with THPO-Related Disorders and no experimental evidence demonstrating its impact on protein function have been reported. Two submitters have cited clinical-significance assessments for this variant to ClinVar after 2014. All submitters classified the variant as uncertain significance. Based on the evidence outlined above, the variant was classified as uncertain significance.

Blueprint Genetics
Classification: Likely benign. Last evaluated: 2023-05-31. Review status: criteria provided, single submitter. Criteria: ACMG Guidelines, 2015. Collection method: clinical testing. Allele origin: germline.